The following is an entry in ClinVar:

NM_000245.4(MET):c.1822G>A (p.Glu608Lys)

Gene: MET (MET proto-oncogene, receptor tyrosine kinase; plus strand). Cytogenetic location: 7q31.2.
Variant type: single nucleotide variant.
Coding change: c.1822G>A on transcript NM_000245.4 (MANE Select); coding-DNA position 1822, G replaced by A.
Protein change: p.Glu608Lys; replaces glutamic acid 608 with lysine.
Molecular consequence: missense variant.
Genome position (GRCh38, 1-based): chr7:116,755,475, G>A. VCF-style: chr7-116755475-G-A. GRCh37 (hg19) VCF-style: chr7-116395529-G-A.
Other names: c.1822G>A, p.Glu608Lys (NM_001127500.3, NM_001324401.3); c.532G>A, p.Glu178Lys (NM_001324402.2); short protein forms E608K, E178K.
Identifiers: ClinVar variation 1404268 (VCV001404268.6), dbSNP rs2116910480, ClinGen allele CA368978128.

ClinVar aggregate classification (germline): Uncertain significance (1 of 4 stars; one submission).

Conditions:
Renal cell carcinoma. Identifiers: Orphanet 217071, MedGen C0007134, MeSH D002292, MONDO:0005086, HP:0005584.

Submission:

Labcorp Genetics (formerly Invitae), Labcorp
Classification: Uncertain significance for Renal cell carcinoma. Last evaluated: 2022-03-18. Review status: criteria provided, single submitter. Criteria: Invitae Variant Classification Sherloc (09022015). Collection method: clinical testing. Allele origin: germline.
Comment: This sequence change replaces glutamic acid, which is acidic and polar, with lysine, which is basic and polar, at codon 608 of the MET protein (p.Glu608Lys). This variant is not present in population databases (gnomAD no frequency). This variant has not been reported in the literature in individuals affected with MET-related conditions. Algorithms developed to predict the effect of missense changes on protein structure and function (SIFT, PolyPhen-2, Align-GVGD) all suggest that this variant is likely to be tolerated. In summary, the available evidence is currently insufficient to determine the role of this variant in disease. Therefore, it has been classified as a Variant of Uncertain Significance.